The following is an entry in ClinVar:

ClinVar aggregate classification (germline): Uncertain significance. Review status: criteria provided, multiple submitters, no conflicts (2 of 4 stars). 2 submissions from 2 submitters: Uncertain significance (2). Last evaluated 2024-10-28.

Allele frequency attached by ClinVar (database versions not stated): gnomAD exomes 0.00001 and 0.00003; ExAC 0.00005; ESP Exome Variant Server 0.00008; TOPMed 0.00014; gnomAD 0.00015 and 0.00016; 1000 Genomes Project 30x 0.00016; 1000 Genomes Project 0.00020.
gnomAD v4.1: 44 of 1,614,038 alleles (0.0027%); highest among the groups gnomAD compares: African/African-American, 0.044%; no homozygotes.

Submissions (2):

Blueprint Genetics
Classification: Uncertain significance. Last evaluated: 2024-10-28. Review status: criteria provided, single submitter. Criteria: ACMG Guidelines, 2015. Collection method: clinical testing. Allele origin: germline.

Labcorp Genetics (formerly Invitae), Labcorp
Classification: Uncertain significance. Last evaluated: 2022-08-16. Review status: criteria provided, single submitter. Criteria: Invitae Variant Classification Sherloc (09022015). Collection method: clinical testing. Allele origin: germline.
Comment: This sequence change replaces arginine, which is basic and polar, with glutamine, which is neutral and polar, at codon 854 of the GRM6 protein (p.Arg854Gln). This variant is present in population databases (rs145110689, gnomAD 0.04%). This variant has not been reported in the literature in individuals affected with GRM6-related conditions. ClinVar contains an entry for this variant (Variation ID: 1423736). Algorithms developed to predict the effect of missense changes on protein structure and function are either unavailable or do not agree on the potential impact of this missense change (SIFT: "Deleterious"; PolyPhen-2: "Benign"; Align-GVGD: "Class C0"). In summary, the available evidence is currently insufficient to determine the role of this variant in disease. Therefore, it has been classified as a Variant of Uncertain Significance.

NM_000843.4(GRM6):c.2561G>A (p.Arg854Gln)

Genes: GRM6 (glutamate metabotropic receptor 6; minus strand), ZNF454 (zinc finger protein 454; plus strand). Cytogenetic location: 5q35.3.
Variant type: single nucleotide variant.
Coding change: c.2561G>A on transcript NM_000843.4 (MANE Select); coding-DNA position 2561, G replaced by A.
Protein change: p.Arg854Gln; replaces arginine 854 with glutamine.
Molecular consequence: missense variant.
Genome position (GRCh38, 1-based): chr5:178,981,730, C>T on the plus strand (G>A on the coding strand, the complement: GRM6 is on the minus strand). VCF-style: chr5-178981730-C-T. GRCh37 (hg19) VCF-style: chr5-178408731-C-T.
Other names: short protein forms R854Q.
Identifiers: ClinVar variation 1423736 (VCV001423736.4), dbSNP rs145110689, ClinGen allele CA3593506.
Genomic context (GRCh38, chr5:178,981,730, plus strand): 5'-TCTGCATCCTCGCCCTTGGGTGGGGCTGCCACCGTGGAGGTGGCCTTGAGGCTCCGCTTT[C>T]GCTTCTGCACATTCTGCTCTGGATGGAAGAGGATGACGTAGGTTTTGGGTACGTAGAGCA-3'
Protein context (NP_000834.2, residues 844-864): LFHPEQNVQK[Arg854Gln]KRSLKATSTV